The following is an entry in ClinVar:

ClinVar aggregate classification (germline): Likely benign. Review status: criteria provided, multiple submitters, no conflicts (2 of 4 stars). 3 submissions from 3 submitters: Likely benign (2). 1 of the submissions does not count toward it. Last evaluated 2025-08-08.

Conditions:
VPS13C-related disorder. Also called: VPS13C-related condition.

Allele frequency attached by ClinVar (database versions not stated): gnomAD exomes 0.00013 and 0.00033; ExAC 0.00045; 1000 Genomes Project 30x 0.00094; 1000 Genomes Project 0.00100; gnomAD 0.00161 and 0.00175; TOPMed 0.00167; ESP Exome Variant Server 0.00177.
gnomAD v4.1: 437 of 1,592,402 alleles (0.027%); highest among the groups gnomAD compares: African/African-American, 0.55%; 2 homozygotes.

Submissions (8):

Labcorp Genetics (formerly Invitae), Labcorp
Classification: Likely benign. Last evaluated: 2025-08-08. Review status: criteria provided, single submitter. Criteria: Invitae Variant Classification Sherloc (09022015). Collection method: clinical testing. Allele origin: germline.

Breakthrough Genomics
Classification: Likely benign. Review status: criteria provided, single submitter. Criteria: ACMG Guidelines, 2015. Collection method: not provided. Allele origin: germline. Inheritance: Autosomal recessive inheritance. Affected: yes.

PreventionGenetics, part of Exact Sciences
Classification: Likely benign for VPS13C-related condition. Last evaluated: 2024-03-27. Review status: no assertion criteria provided. Collection method: clinical testing. Allele origin: germline. Not counted in ClinVar's aggregate classification.
Comment: This variant is classified as likely benign based on ACMG/AMP sequence variant interpretation guidelines (Richards et al. 2015 PMID: 25741868, with internal and published modifications).

Dr. Peter K. Rogan Lab, Western University
No classification provided (evidence only). Condition: Familial cancer of breast. Review status: no classification provided. Collection method: in vitro. Allele origin: not applicable. Functional consequence: retained intron. Not counted in ClinVar's aggregate classification.

Dr. Peter K. Rogan Lab, Western University
No classification provided (evidence only). Condition: Thyroid cancer, nonmedullary, 1. Review status: no classification provided. Collection method: in vitro. Allele origin: not applicable. Functional consequence: retained intron. Not counted in ClinVar's aggregate classification.

Dr. Peter K. Rogan Lab, Western University
No classification provided (evidence only). Condition: Uterine corpus endometrial carcinoma. Review status: no classification provided. Collection method: in vitro. Allele origin: not applicable. Functional consequence: retained intron. Not counted in ClinVar's aggregate classification.

Dr. Peter K. Rogan Lab, Western University
No classification provided (evidence only). Condition: Uterine corpus endometrial carcinoma. Review status: no classification provided. Collection method: in vitro. Allele origin: not applicable. Functional consequence: retained intron. Not counted in ClinVar's aggregate classification.

Dr. Peter K. Rogan Lab, Western University
No classification provided (evidence only). Condition: Malignant tumor of esophagus. Review status: no classification provided. Collection method: in vitro. Allele origin: not applicable. Functional consequence: retained intron. Not counted in ClinVar's aggregate classification.

NM_020821.3(VPS13C):c.10413A>G (p.Val3471=)

Gene: VPS13C (vacuolar protein sorting 13 homolog C; minus strand). Cytogenetic location: 15q22.2.
Variant type: single nucleotide variant.
Coding change: c.10413A>G on transcript NM_020821.3 (MANE Select); coding-DNA position 10413, A replaced by G.
Protein change: p.Val3471=; no amino-acid change (valine 3471 retained).
Molecular consequence: synonymous variant.
Genome position (GRCh38, 1-based): chr15:61,874,877, T>C on the plus strand (A>G on the coding strand, the complement: VPS13C is on the minus strand). VCF-style: chr15-61874877-T-C. GRCh37 (hg19) VCF-style: chr15-62167076-T-C.
Other names: c.10413A>G, p.Val3471= (NM_001018088.3); c.10284A>G, p.Val3428= (NM_017684.5, NM_018080.4).
Identifiers: ClinVar variation 727687 (VCV000727687.13), dbSNP rs144512255, ClinGen allele CA7594338.
Genomic context (GRCh38, chr15:61,874,877, plus strand): 5'-CGTATTTCATAACAATATAATAAAAAATATACACATATACACAAATATGTGATACATACC[T>C]ACTGTGTGTCCAAAGAGGCTTCTCACTCCAATCACTAACCCCTCTGCAAATTCTTCAGGG-3'
Protein context (NP_065872.1, residues 3461-3481): IGVRSLFGHT[Val3471=]GGAAGVVSRI